The following is an entry in ClinVar:

ClinVar aggregate classification (germline): Uncertain significance. Review status: criteria provided, multiple submitters, no conflicts (2 of 4 stars). 2 submissions from 2 submitters: Uncertain significance (2). Last evaluated 2023-12-18.

Conditions:
Inborn genetic diseases. Identifiers: MedGen C0950123, MeSH D030342.
Seizures, benign familial infantile, 3 (BFIS3). Also called: CONVULSIONS, BENIGN FAMILIAL INFANTILE, 3; Familial neonatal seizures. Identifiers: Orphanet 140927, Orphanet 306, MedGen C1843140, MONDO:0011904, OMIM 607745.
Developmental and epileptic encephalopathy, 11 (DEE11). Also called: Early infantile epileptic encephalopathy 11. Identifiers: Orphanet 1934, MedGen C3150987, MONDO:0013388, OMIM 613721.

Allele frequency attached by ClinVar (database versions not stated): gnomAD exomes 0.00001; ESP Exome Variant Server 0.00008.

Submissions (2):

Labcorp Genetics (formerly Invitae), Labcorp
Classification: Uncertain significance for Seizures, benign familial infantile, 3; Developmental and epileptic encephalopathy, 11. Last evaluated: 2023-12-18. Review status: criteria provided, single submitter. Criteria: Invitae Variant Classification Sherloc (09022015). Collection method: clinical testing. Allele origin: germline.
Comment: This sequence change replaces methionine, which is neutral and non-polar, with threonine, which is neutral and polar, at codon 1128 of the SCN2A protein (p.Met1128Thr). This variant is not present in population databases (gnomAD no frequency). This missense change has been observed in individual(s) with clinical features of SCN2A-related conditions (PMID: 22591750, 32090326). ClinVar contains an entry for this variant (Variation ID: 589603). Advanced modeling of protein sequence and biophysical properties (such as structural, functional, and spatial information, amino acid conservation, physicochemical variation, residue mobility, and thermodynamic stability) performed at Invitae indicates that this missense variant is not expected to disrupt SCN2A protein function with a negative predictive value of 95%. In summary, the available evidence is currently insufficient to determine the role of this variant in disease. Therefore, it has been classified as a Variant of Uncertain Significance.

Ambry Genetics
Classification: Uncertain significance for Inborn genetic diseases. Last evaluated: 2017-04-07. Review status: criteria provided, single submitter. Criteria: Ambry Variant Classification Scheme 2023. Collection method: clinical testing. Allele origin: germline.
Comment: The p.M1128T variant (also known as c.3383T>C), located in coding exon 16 of the SCN2A gene, results from a T to C substitution at nucleotide position 3383. The methionine at codon 1128 is replaced by threonine, an amino acid with similar properties. This amino acid position is not well conserved in available vertebrate species. In addition, the in silico prediction for this alteration is inconclusive. Since supporting evidence is limited at this time, the clinical significance of this alteration remains unclear.

Literature cited by the submitters: PubMed 22591750 (cited by Labcorp Genetics (formerly Invitae), Labcorp and Ambry Genetics); PubMed 32090326 (cited by Labcorp Genetics (formerly Invitae), Labcorp).

NM_001040142.2(SCN2A):c.3383T>C (p.Met1128Thr)

Gene: SCN2A (sodium voltage-gated channel alpha subunit 2; plus strand). Cytogenetic location: 2q24.3.
Variant type: single nucleotide variant.
Coding change: c.3383T>C on transcript NM_001040142.2 (MANE Select); coding-DNA position 3383, T replaced by C.
Protein change: p.Met1128Thr; replaces methionine 1128 with threonine.
Molecular consequence: missense variant.
Genome position (GRCh38, 1-based): chr2:165,354,655, T>C. VCF-style: chr2-165354655-T-C. GRCh37 (hg19) VCF-style: chr2-166211165-T-C.
Other names: c.3383T>C, p.Met1128Thr (NM_001040143.2, NM_001371246.1, NM_001371247.1 and 1 more transcripts); short protein forms M1128T.
Identifiers: ClinVar variation 589603 (VCV000589603.15), dbSNP rs373780066, ClinGen allele CA59725031.